The following is an entry in ClinVar:

NM_000297.4(PKD2):c.2449G>A (p.Asp817Asn)

Gene: PKD2 (polycystin 2, transient receptor potential cation channel; plus strand). Cytogenetic location: 4q22.1.
Variant type: single nucleotide variant.
Coding change: c.2449G>A on transcript NM_000297.4 (MANE Select); coding-DNA position 2449, G replaced by A.
Protein change: p.Asp817Asn; replaces aspartic acid 817 with asparagine.
Molecular consequence: missense variant. On other transcripts: non-coding transcript variant (1).
Genome position (GRCh38, 1-based): chr4:88,067,988, G>A. VCF-style: chr4-88067988-G-A. GRCh37 (hg19) VCF-style: chr4-88989140-G-A.
Other names: short protein forms D817N.
Identifiers: ClinVar variation 811857 (VCV000811857.15), dbSNP rs761597786, ClinGen allele CA3004252.

ClinVar aggregate classification (germline): Uncertain significance. Review status: criteria provided, multiple submitters, no conflicts (2 of 4 stars). 3 submissions from 3 submitters: Uncertain significance (3). Last evaluated 2025-09-15.

Conditions:
Autosomal dominant polycystic kidney disease. Identifiers: Orphanet 730, MedGen C0085413, MONDO:0004691.
Polycystic kidney disease 2 (PKD2). Also called: POLYCYSTIC KIDNEY DISEASE 2 WITH OR WITHOUT POLYCYSTIC LIVER DISEASE; Polycystic Kidney Disease 2, Autosomal Dominant; POLYCYSTIC KIDNEY DISEASE, ADULT, TYPE II. Identifiers: MedGen C2751306, MONDO:0013131, OMIM 613095.

Allele frequency attached by ClinVar (database versions not stated): gnomAD 0.00001; ExAC 0.00002; TOPMed 0.00002; gnomAD exomes 0.00003 and 0.00004.
gnomAD v4.1: 39 of 1,613,854 alleles (0.0024%); highest among the groups gnomAD compares: Admixed American, 0.01%; no homozygotes.

Submissions (3):

Labcorp Genetics (formerly Invitae), Labcorp
Classification: Uncertain significance for Autosomal dominant polycystic kidney disease. Last evaluated: 2025-09-15. Review status: criteria provided, single submitter. Criteria: Invitae Variant Classification Sherloc (09022015). Collection method: clinical testing. Allele origin: germline.
Comment: This sequence change replaces aspartic acid, which is acidic and polar, with asparagine, which is neutral and polar, at codon 817 of the PKD2 protein (p.Asp817Asn). This variant is present in population databases (rs761597786, gnomAD 0.02%). This variant has not been reported in the literature in individuals affected with PKD2-related conditions. ClinVar contains an entry for this variant (Variation ID: 811857). An algorithm developed to predict the effect of missense changes on protein structure and function (PolyPhen-2) suggests that this variant is likely to be disruptive. In summary, the available evidence is currently insufficient to determine the role of this variant in disease. Therefore, it has been classified as a Variant of Uncertain Significance.

Fulgent Genetics
Classification: Uncertain significance for Polycystic kidney disease 2. Last evaluated: 2024-04-10. Review status: criteria provided, single submitter. Criteria: ACMG Guidelines, 2015. Collection method: clinical testing. Allele origin: germline.

ARUP Laboratories, Molecular Genetics and Genomics, ARUP Laboratories
Classification: Uncertain significance for Polycystic kidney disease 2. Last evaluated: 2018-12-14. Review status: criteria provided, single submitter. Criteria: ARUP Molecular Germline Variant Investigation Process. Collection method: clinical testing. Allele origin: germline.
Comment: The PKD2 c.2449G>A; p.Asp817Asn variant (rs761597786), to our knowledge, is not reported in the medical literature or gene specific databases. This variant is found in the Latino population with an allele frequency of 0.017% (6/34,584 alleles) in the Genome Aggregation Database. The aspartic acid at codon 817 is highly conserved, but computational analyses (SIFT, PolyPhen-2) predict that this variant is tolerated. Due to limited information, the clinical significance of the p.Asp817Asn variant is uncertain at this time.